The following is an entry in ClinVar:

ClinVar aggregate classification (germline): Pathogenic/Likely pathogenic. Review status: criteria provided, multiple submitters, no conflicts (2 of 4 stars). 11 submissions from 11 submitters: Pathogenic (6); Likely pathogenic (2). 3 of the submissions do not count toward it. Last evaluated 2025-10-30.

Conditions:
Rare genetic deafness. Identifiers: Orphanet 96210, MedGen C5680250.
Usher syndrome type 1 (USH1). Also called: RETINITIS PIGMENTOSA AND CONGENITAL DEAFNESS. Identifiers: Orphanet 231169, Orphanet 886, MedGen C1568247, MONDO:0010168, OMIM 276900.
Autosomal recessive nonsyndromic hearing loss 2. Also called: NEUROSENSORY NONSYNDROMIC RECESSIVE DEAFNESS 2; DEAFNESS, AUTOSOMAL RECESSIVE 2. Identifiers: Orphanet 90636, MedGen C1838701, MONDO:0010807, OMIM 600060.
MYO7A-related disorder. Also called: MYO7A-related disorders.
Usher syndrome. Also called: Usher Syndromes; Usher's syndrome. Identifiers: Orphanet 886, MedGen CN469326, MeSH D052245, MONDO:0019501. Disease mechanism: loss of function.
Autosomal dominant nonsyndromic hearing loss 11. Identifiers: Orphanet 90635, MedGen C1832475, MONDO:0011032, OMIM 601317.
Usher syndrome type 1B (USH1B). Also called: Usher syndrome type IB. Identifiers: MedGen C1848638, MONDO:0700087.

Allele frequency attached by ClinVar (database versions not stated): gnomAD exomes 0.00001 and 0.00002; ExAC 0.00002.
gnomAD v4.1: 26 of 1,613,452 alleles (0.0016%); highest among the groups gnomAD compares: East Asian, 0.0022%; no homozygotes.

Submissions (11):

GeneDx
Classification: Likely pathogenic. Last evaluated: 2025-10-30. Review status: criteria provided, single submitter. Criteria: GeneDx Variant Classification Process June 2021. Collection method: clinical testing. Allele origin: germline. Affected: yes.
Comment: In silico analysis supports that this missense variant has a deleterious effect on protein structure/function; This variant is associated with the following publications: (PMID: 25468891, 30622556, 16679490, 31479088, 34948090, 38767670, 21569298, 10930322, 31964843, 37510321, 34440443)

Natera, Inc.
Classification: Pathogenic for Usher syndrome type 1B. Last evaluated: 2025-09-08. Review status: criteria provided, single submitter. Criteria: Natera Variant Classification Schema (03/2026). Collection method: clinical testing. Allele origin: germline.
Comment: The c.1556G>A variant in MYO7A is a missense variant predicted to cause substitution of glycine to aspartic acid at amino acid 519. This variant is rare in the general population with a frequency below the threshold expected for the associated phenotype(s). This variant has been observed in one or more individuals affected with the associated recessive disease, as either homozygous or compound heterozygous with a second variant (PMID: 34948090, 25425308, 21569298). Computational prediction algorithms indicate this variant is likely to affect gene or protein function. Given the available evidence, this variant is classified as Pathogenic.

PreventionGenetics, part of Exact Sciences
Classification: Pathogenic for MYO7A-related condition. Last evaluated: 2025-03-05. Review status: criteria provided, single submitter. Criteria: ACMG Guidelines, 2015. Collection method: clinical testing. Allele origin: germline.
Comment: The MYO7A c.1556G>A variant is predicted to result in the amino acid substitution p.Gly519Asp. This variant has been reported in the homozygous state or along with a second causative MYO7A variant in individuals with Usher Syndrome (Bharadwaj et al. 2000. PubMed ID: 10930322; Supplementary Table 1, Khateb et al. 2019. PubMed ID: 31479088; Bonnet et al. 2011. PubMed ID: 21569298; Areblom. 2023. PubMed ID: 37510321; Table S1, Mansard. 2021. PubMed ID: 34948090; Supplementary tables Roux et al. 2006. PubMed ID: 16679490; Jacobson et al. 2011. PubMedID: 21873662; Zein et al. 2015. PubmedID: 25425308). This variant segregated with disease in two siblings with Usher Syndrome (Supplementary Table 1, Khateb et al. 2019. PubMed ID: 31479088). This variant is reported in 0.0056% of alleles in individuals of East Asian descent in gnomAD. This variant is interpreted as pathogenic.

Women's Health and Genetics/Laboratory Corporation of America, LabCorp
Classification: Pathogenic for Usher syndrome. Last evaluated: 2023-12-18. Review status: criteria provided, single submitter. Criteria: LabCorp Variant Classification Summary - May 2015. Collection method: clinical testing. Allele origin: germline.
Comment: Variant summary: MYO7A c.1556G>A (p.Gly519Asp) results in a non-conservative amino acid change located in the Myosin head, motor domain (IPR001609) of the encoded protein sequence. Five of five in-silico tools predict a damaging effect of the variant on protein function. In addition, this variant disrupts the second nucleotide of exon 14, and therefore can affect splicing. Consensus agreement among computation tools predict no significant impact on normal splicing. However, these predictions have yet to be confirmed by functional studies. The variant allele was found at a frequency of 1.2e-05 in 248902 control chromosomes (gnomAD). The available data on variant occurrences in the general population are insufficient to allow any conclusion about variant significance. c.1556G>A has been reported in the literature in both compound heterozygous and homozygous individuals affected with Usher Syndrome (e.g., Bharadwaj_2000, Roux_2006, Bonnet_2011, Zein_2014, Bujakowska_2014, Mansard_2021). These data indicate that the variant is very likely to be associated with disease. The following publications have been ascertained in the context of this evaluation (PMID: 10930322, 16679490, 21569298, 25425308, 25468891, 34948090). Five submitters have reported clinical-significance assessments for this variant to ClinVar after 2014. All submitters classified the variant as pathogenic/likely pathogenic. Based on the evidence outlined above, the variant was classified as pathogenic.

Labcorp Genetics (formerly Invitae), Labcorp
Classification: Pathogenic. Last evaluated: 2023-12-14. Review status: criteria provided, single submitter. Criteria: Invitae Variant Classification Sherloc (09022015). Collection method: clinical testing. Allele origin: germline.
Comment: This sequence change replaces glycine, which is neutral and non-polar, with aspartic acid, which is acidic and polar, at codon 519 of the MYO7A protein (p.Gly519Asp). This variant is present in population databases (rs111033206, gnomAD 0.006%). This missense change has been observed in individual(s) with Usher syndrome (PMID: 10930322, 16679490, 21569298, 21873662, 25468891). In at least one individual the data is consistent with being in trans (on the opposite chromosome) from a pathogenic variant. ClinVar contains an entry for this variant (Variation ID: 43151). An algorithm developed to predict the effect of missense changes on protein structure and function (PolyPhen-2) suggests that this variant is likely to be disruptive. For these reasons, this variant has been classified as Pathogenic.

Blueprint Genetics
Classification: Pathogenic for MYO7A-related disorders. Last evaluated: 2023-04-18. Review status: criteria provided, single submitter. Criteria: ACMG Guidelines, 2015. Collection method: clinical testing. Allele origin: germline. Affected: yes. Observed: 5 variant alleles.

Institute of Human Genetics, University of Leipzig Medical Center
Classification: Likely pathogenic for Autosomal dominant nonsyndromic hearing loss 11. Last evaluated: 2019-01-01. Review status: criteria provided, single submitter. Criteria: ACMG Guidelines, 2015. Collection method: clinical testing. Allele origin: unknown. Affected: yes.

Laboratory for Molecular Medicine, Mass General Brigham Personalized Medicine
Classification: Pathogenic for Rare genetic deafness. Last evaluated: 2016-06-23. Review status: criteria provided, single submitter. Criteria: LMM Criteria. Collection method: clinical testing. Allele origin: germline. Inheritance: Autosomal recessive inheritance. Observed: 5 variant alleles.
Comment: The p.Gly519Asp variant in MYO7A has now been identified in the homozygous or co mpound heterozygous state in at least 6 individuals with clinical features of Us her syndrome type I (Bharadwaj 2000, Roux 2006, Bonnet 2011, LMM data). It has b een identified in 2/66462 European chromosomes by the Exome Aggregation Consorti um (ExAC; dbSNP rs111033206). Although this vari ant has been identified in the general population, its frequency is low enough t o be consistent with the carrier frequency. In summary, this variant meets crite ria to be classified as pathogenic for autosomal recessive Usher syndrome.

Clinical Genetics Laboratory, University Hospital Schleswig-Holstein
Classification: Pathogenic for Usher syndrome type 1. Last evaluated: 2024-08-07. Review status: no assertion criteria provided. Collection method: clinical testing. Allele origin: germline. Affected: yes. Not counted in ClinVar's aggregate classification.

Counsyl
Classification: Likely pathogenic for Usher syndrome type 1; Autosomal recessive nonsyndromic hearing loss 2. Last evaluated: 2017-09-08. Review status: no assertion criteria provided. Collection method: clinical testing. Allele origin: unknown. Not counted in ClinVar's aggregate classification.

GeneReviews
No classification provided. Condition: Usher syndrome type 1. Review status: no classification provided. Collection method: literature only. Allele origin: germline. Affected: yes. Not counted in ClinVar's aggregate classification.

Literature cited by the submitters: PubMed 34948090 (cited by Natera, Inc. and Women's Health and Genetics/Laboratory Corporation of America, LabCorp); PubMed 25425308 (cited by Natera, Inc. and Women's Health and Genetics/Laboratory Corporation of America, LabCorp); PubMed 21569298 (cited by 6 submitters); PubMed 16679490 (cited by 4 submitters); PubMed 25468891 (cited by 3 submitters); PubMed 10930322 (cited by 4 submitters); PubMed 21873662 (cited by Labcorp Genetics (formerly Invitae), Labcorp); NCBI Bookshelf NBK1265 (cited by GeneReviews).

NM_000260.4(MYO7A):c.1556G>A (p.Gly519Asp)

Gene: MYO7A (myosin VIIA; plus strand). Cytogenetic location: 11q13.5.
Variant type: single nucleotide variant.
Coding change: c.1556G>A on transcript NM_000260.4 (MANE Select); coding-DNA position 1556, G replaced by A.
Protein change: p.Gly519Asp; replaces glycine 519 with aspartic acid.
Molecular consequence: missense variant.
Genome position (GRCh38, 1-based): chr11:77,162,854, G>A. VCF-style: chr11-77162854-G-A. GRCh37 (hg19) VCF-style: chr11-76873900-G-A.
Other names: c.1556G>A, p.Gly519Asp (NM_001127180.2); c.1523G>A, p.Gly508Asp (NM_001369365.1); short protein forms G519D, G508D.
Identifiers: ClinVar variation 43151 (VCV000043151.25), dbSNP rs111033206, ClinGen allele CA278629.